The following is an entry in ClinVar:

ClinVar aggregate classification (germline): Uncertain significance. Review status: criteria provided, multiple submitters, no conflicts (2 of 4 stars). 2 submissions from 2 submitters: Uncertain significance (2). Last evaluated 2025-03-08.

Conditions:
Immunodeficiency. Identifiers: MedGen C0021051, MONDO:0021094, HP:0002721.

Allele frequency attached by ClinVar (database versions not stated): TOPMed 0.00011.
gnomAD v4.1: 20 of 1,613,964 alleles (0.0012%); highest among the groups gnomAD compares: Admixed American, 0.025%; no homozygotes.

Submissions (2):

Labcorp Genetics (formerly Invitae), Labcorp
Classification: Uncertain significance for Immunodeficiency. Last evaluated: 2025-03-08. Review status: criteria provided, single submitter. Criteria: Invitae Variant Classification Sherloc (09022015). Collection method: clinical testing. Allele origin: germline.
Comment: This sequence change replaces serine, which is neutral and polar, with arginine, which is basic and polar, at codon 625 of the NFAT5 protein (p.Ser625Arg). This variant is present in population databases (no rsID available, gnomAD 0.009%). This variant has not been reported in the literature in individuals affected with NFAT5-related conditions. ClinVar contains an entry for this variant (Variation ID: 570524). An algorithm developed to predict the effect of missense changes on protein structure and function (PolyPhen-2) suggests that this variant is likely to be tolerated. In summary, the available evidence is currently insufficient to determine the role of this variant in disease. Therefore, it has been classified as a Variant of Uncertain Significance.

Ambry Genetics
Classification: Uncertain significance. Last evaluated: 2021-09-17. Review status: criteria provided, single submitter. Criteria: Ambry Variant Classification Scheme 2023. Collection method: clinical testing. Allele origin: germline.

NM_138713.4(NFAT5):c.2157C>A (p.Ser719Arg)

Gene: NFAT5 (nuclear factor of activated T cells 5; plus strand). Cytogenetic location: 16q22.1.
Variant type: single nucleotide variant.
Coding change: c.2157C>A on transcript NM_138713.4 (MANE Select); coding-DNA position 2157, C replaced by A.
Protein change: p.Ser719Arg; replaces serine 719 with arginine.
Molecular consequence: missense variant.
Genome position (GRCh38, 1-based): chr16:69,691,982, C>A. VCF-style: chr16-69691982-C-A. GRCh37 (hg19) VCF-style: chr16-69725885-C-A.
Other names: c.2157C>A, p.Ser719Arg (LRG_1332t1); c.2154C>A, p.Ser718Arg (NM_001113178.3); c.1482C>A, p.Ser494Arg (NM_001367709.1); c.2103C>A, p.Ser701Arg (NM_006599.4); c.1875C>A, p.Ser625Arg (NM_138714.4, NM_173214.3, NM_173215.3); c.2157C>A (NM_138713.3); short protein forms S719R, S625R, S701R, S718R, S494R.
Identifiers: ClinVar variation 570524 (VCV000570524.9), dbSNP rs531151605, ClinGen allele CA396507343.